The following is an entry in ClinVar:

ClinVar aggregate classification (germline): Benign/Likely benign. Review status: criteria provided, multiple submitters, no conflicts (2 of 4 stars). 2 submissions from 2 submitters: Benign (1); Likely benign (1). Last evaluated 2026-01-21.

Conditions:
IFT88-related disorder. Also called: IFT88-related condition.

Allele frequency attached by ClinVar (database versions not stated): gnomAD exomes 0.00015 and 0.00037; ExAC 0.00041; 1000 Genomes Project 30x 0.00094; gnomAD 0.00111 and 0.00122; 1000 Genomes Project 0.00120; TOPMed 0.00140; ESP Exome Variant Server 0.00161.
gnomAD v4.1: 398 of 1,613,142 alleles (0.025%); highest among the groups gnomAD compares: African/African-American, 0.4%; 1 homozygote.

Submissions (2):

Labcorp Genetics (formerly Invitae), Labcorp
Classification: Benign. Last evaluated: 2026-01-21. Review status: criteria provided, single submitter. Criteria: Invitae Variant Classification Sherloc (09022015). Collection method: clinical testing. Allele origin: germline.

PreventionGenetics, part of Exact Sciences
Classification: Likely benign for IFT88-related condition. Last evaluated: 2024-10-17. Review status: criteria provided, single submitter. Criteria: ACMG Guidelines, 2015. Collection method: clinical testing. Allele origin: germline.
Comment: This variant is classified as likely benign based on ACMG/AMP sequence variant interpretation guidelines (Richards et al. 2015 PMID: 25741868, with internal and published modifications).

NM_006531.5(IFT88):c.2073G>A (p.Leu691=)

Gene: IFT88 (intraflagellar transport 88; plus strand). Cytogenetic location: 13q12.11.
Variant type: single nucleotide variant.
Coding change: c.2073G>A on transcript NM_006531.5 (MANE Select); coding-DNA position 2073, G replaced by A.
Protein change: p.Leu691=; no amino-acid change (leucine 691 retained).
Molecular consequence: synonymous variant. On other transcripts: missense variant (1), non-coding transcript variant (5).
Genome position (GRCh38, 1-based): chr13:20,663,502, G>A. VCF-style: chr13-20663502-G-A. GRCh37 (hg19) VCF-style: chr13-21237641-G-A.
Other names: c.2016G>A, p.Leu672= (NM_001318491.2); c.2100G>A, p.Leu700= (NM_001318493.2, NM_001353565.2, NM_001353566.2 and 2 more transcripts); c.2073G>A, p.Leu691= (NM_001353568.2, NM_001353572.2); c.1998G>A, p.Leu666= (NM_001353569.2, NM_001353570.2, NM_001353576.2 and 1 more transcripts); c.1971G>A, p.Leu657= (NM_001353571.2, NM_001353578.2); c.1929G>A, p.Leu643= (NM_001353573.2); c.1914G>A, p.Leu638= (NM_001353574.2); c.2140G>A, p.Ala714Thr (NM_001353575.2); and 2 more; short protein forms A714T.
Identifiers: ClinVar variation 1556103 (VCV001556103.9), dbSNP rs138177027, ClinGen allele CA6905669.